The following is an entry in ClinVar:

NM_000492.4(CFTR):c.3731G>T (p.Gly1244Val)

Genes: CFTR (CF transmembrane conductance regulator; plus strand), CFTR-AS2 (CFTR antisense RNA 2; minus strand). Cytogenetic location: 7q31.2.
Variant type: single nucleotide variant.
Coding change: c.3731G>T on transcript NM_000492.4 (MANE Select); coding-DNA position 3731, G replaced by T.
Protein change: p.Gly1244Val; replaces glycine 1244 with valine.
Molecular consequence: missense variant.
Genome position (GRCh38, 1-based): chr7:117,642,451, G>T. VCF-style: chr7-117642451-G-T. GRCh37 (hg19) VCF-style: chr7-117282505-G-T.
Other names: short protein forms G1244V.
Identifiers: ClinVar variation 53798 (VCV000053798.3), dbSNP rs267606723, ClinGen allele CA327266.

ClinVar aggregate classification (germline): Likely pathogenic. Review status: criteria provided, multiple submitters, no conflicts (2 of 4 stars). 3 submissions from 3 submitters: Likely pathogenic (2). 1 of the submissions does not count toward it. Last evaluated 2026-08-06.

Conditions:
Cystic fibrosis diagnostic test.
Cystic fibrosis (CF). Also called: MUCOVISCIDOSIS. Identifiers: Orphanet 586, MedGen C0010674, MONDO:0009061, OMIM 219700. Disease mechanism: loss of function.

Submissions (3):

NHS Central & South Genomic Laboratory Hub
Classification: Likely pathogenic for Cystic fibrosis diagnostic test. Last evaluated: 2026-08-06. Review status: criteria provided, single submitter. Criteria: ACMG Guidelines, 2015. Collection method: clinical testing. Allele origin: germline. Affected: yes.

Women's Health and Genetics/Laboratory Corporation of America, LabCorp
Classification: Likely pathogenic for Cystic fibrosis. Last evaluated: 2023-12-05. Review status: criteria provided, single submitter. Criteria: LabCorp Variant Classification Summary - May 2015. Collection method: clinical testing. Allele origin: germline.
Comment: Variant summary: CFTR c.3731G>T (p.Gly1244Val) results in a non-conservative amino acid change located in the ABC transporter-like, ATP-binding domain (IPR003439) of the encoded protein sequence. Five of five in-silico tools predict a damaging effect of the variant on protein function. The variant allele was found at a frequency of 4e-06 in 250996 control chromosomes. c.3731G>T has been reported in the literature in several individuals affected with Cystic Fibrosis (example, Alonso_2007), among which, it was seen at a compound heterozygous state along with a pathogenic variant in CFTR in at-least one patient with Cystic Fibrosis (Savov_CFTR_HMG_1995). Additionally, other variant at the Gly1244 residue has been reported as associated with disease (p.Gly1244Glu), suggesting that this codon is functionally important. At least one publication reports experimental evidence evaluating an impact on protein function. The most pronounced variant effect results in about 50% of normal cAMP-dependent Cl channel activity in transfected HeLa cells (Clain_2005). These data indicate that the variant may be associated with disease. The following publications have been ascertained in the context of this evaluation (PMID: 17331079, 15744523, 8528204). No submitters have cited clinical-significance assessments for this variant to ClinVar after 2014. Based on the evidence outlined above, the variant was classified as likely pathogenic.

ClinVar Staff, National Center for Biotechnology Information (NCBI)
No classification provided. Condition: CFTR-related disorders. Review status: no classification provided. Collection method: literature only. Allele origin: germline. Affected: yes. Not counted in ClinVar's aggregate classification.

Literature cited by the submitters: PubMed 17331079 (cited by Women's Health and Genetics/Laboratory Corporation of America, LabCorp and ClinVar Staff, National Center for Biotechnology Information (NCBI)); PubMed 15744523 (cited by Women's Health and Genetics/Laboratory Corporation of America, LabCorp and ClinVar Staff, National Center for Biotechnology Information (NCBI)); PubMed 8528204 (cited by Women's Health and Genetics/Laboratory Corporation of America, LabCorp).